The following is an entry in ClinVar:

ClinVar aggregate classification (germline): Benign. Review status: criteria provided, multiple submitters, no conflicts (2 of 4 stars). 2 submissions from 2 submitters: Benign (2). Last evaluated 2018-06-14.

Allele frequency attached by ClinVar (database versions not stated): gnomAD exomes 0.03346; TOPMed 0.05591; gnomAD 0.05759 and 0.05872; 1000 Genomes Project 0.06909; 1000 Genomes Project 30x 0.06964.
gnomAD v4.1: 55,115 of 1,535,482 alleles (3.6%); highest among the groups gnomAD compares: African/African-American, 12%; 1,500 homozygotes.

Submissions (2):

GeneDx
Classification: Benign. Last evaluated: 2018-06-14. Review status: criteria provided, single submitter. Criteria: GeneDx Variant Classification (06012015). Collection method: clinical testing. Allele origin: germline. Affected: yes.
Comment: This variant is considered likely benign or benign based on one or more of the following criteria: it is a conservative change, it occurs at a poorly conserved position in the protein, it is predicted to be benign by multiple in silico algorithms, and/or has population frequency not consistent with disease.

Breakthrough Genomics
Classification: Benign. Review status: criteria provided, single submitter. Criteria: ACMG Guidelines, 2015. Collection method: not provided. Allele origin: germline. Inheritance: Autosomal dominant inheritance. Affected: yes.

NM_000238.4(KCNH2):c.472+78C>T

Gene: KCNH2 (potassium voltage-gated channel subfamily H member 2; minus strand). Cytogenetic location: 7q36.1.
Variant type: single nucleotide variant.
Coding change: c.472+78C>T on transcript NM_000238.4 (MANE Select); 78 bases into the intron after coding-DNA position 472, C replaced by T.
Molecular consequence: intron variant.
Genome position (GRCh38, 1-based): chr7:150,959,494, G>A on the plus strand (C>T on the coding strand, the complement: KCNH2 is on the minus strand). VCF-style: chr7-150959494-G-A. GRCh37 (hg19) VCF-style: chr7-150656582-G-A.
Other names: c.184+78C>T (NM_001406753.1, NM_001406756.1); c.472+78C>T (NM_172056.3); c.295+78C>T (NM_001406755.1); c.172+78C>T (NM_001406757.1).
Identifiers: ClinVar variation 673561 (VCV000673561.4), dbSNP rs41307316, ClinGen allele CA169082015.